The following is an entry in ClinVar:

NM_001371727.1(GABRB2):c.981C>A (p.Asn327Lys)

Gene: GABRB2 (gamma-aminobutyric acid type A receptor subunit beta2; minus strand). Cytogenetic location: 5q34.
Variant type: single nucleotide variant.
Coding change: c.981C>A on transcript NM_001371727.1 (MANE Select); coding-DNA position 981, C replaced by A.
Protein change: p.Asn327Lys; replaces asparagine 327 with lysine.
Molecular consequence: missense variant.
Genome position (GRCh38, 1-based): chr5:161,330,979, G>T on the plus strand (C>A on the coding strand, the complement: GABRB2 is on the minus strand). VCF-style: chr5-161330979-G-T. GRCh37 (hg19) VCF-style: chr5-160757986-G-T.
Other names: c.981C>A, p.Asn327Lys (NM_000813.3, NM_021911.3); short protein forms N327K.
Identifiers: ClinVar variation 2576019 (VCV002576019.1), dbSNP rs2113397640, ClinGen allele CA362175196.

ClinVar aggregate classification (germline): Uncertain significance (1 of 4 stars; one submission).

Submission:

Institute for Clinical Genetics, University Hospital TU Dresden, University Hospital TU Dresden
Classification: Uncertain significance. Last evaluated: 2022-11-10. Review status: criteria provided, single submitter. Criteria: ACMG Guidelines, 2015. Collection method: clinical testing. Allele origin: germline.
Comment: PP3, PM2_SUP